The following is an entry in ClinVar:

ClinVar aggregate classification (germline): Uncertain significance (1 of 4 stars; one submission).

Allele frequency attached by ClinVar (database versions not stated): gnomAD exomes below 0.00001.
gnomAD v4.1: 3 of 1,612,774 alleles (0.00019%); highest among the groups gnomAD compares: East Asian, 0.0022%; no homozygotes.

Submission:

Labcorp Genetics (formerly Invitae), Labcorp
Classification: Uncertain significance. Last evaluated: 2022-12-14. Review status: criteria provided, single submitter. Criteria: Invitae Variant Classification Sherloc (09022015). Collection method: clinical testing. Allele origin: germline.
Comment: This sequence change replaces alanine, which is neutral and non-polar, with valine, which is neutral and non-polar, at codon 279 of the SLC19A1 protein (p.Ala279Val). This variant is present in population databases (no rsID available, gnomAD 0.006%). This variant has not been reported in the literature in individuals affected with SLC19A1-related conditions. Algorithms developed to predict the effect of missense changes on protein structure and function are either unavailable or do not agree on the potential impact of this missense change (SIFT: "Tolerated"; PolyPhen-2: "Possibly Damaging"; Align-GVGD: "Class C0"). In summary, the available evidence is currently insufficient to determine the role of this variant in disease. Therefore, it has been classified as a Variant of Uncertain Significance.

NM_194255.4(SLC19A1):c.836C>T (p.Ala279Val)

Gene: SLC19A1 (solute carrier family 19 member 1; minus strand). Cytogenetic location: 21q22.3.
Variant type: single nucleotide variant.
Coding change: c.836C>T on transcript NM_194255.4 (MANE Select); coding-DNA position 836, C replaced by T.
Protein change: p.Ala279Val; replaces alanine 279 with valine.
Molecular consequence: missense variant.
Genome position (GRCh38, 1-based): chr21:45,531,502, G>A on the plus strand (C>T on the coding strand, the complement: SLC19A1 is on the minus strand). VCF-style: chr21-45531502-G-A. GRCh37 (hg19) VCF-style: chr21-46951416-G-A.
Other names: c.836C>T, p.Ala279Val (NM_001205206.4, NM_001352511.3, NM_001352512.2); c.716C>T, p.Ala239Val (NM_001205207.3); c.482C>T, p.Ala161Val (NM_001352510.2); short protein forms A239V, A161V, A279V.
Identifiers: ClinVar variation 3010166 (VCV003010166.3), dbSNP rs1317198351, ClinGen allele CA410508588.
Genomic context (GRCh38, chr21:45,531,502, plus strand): 5'-GTGGTGGGGTCCACCTCGTTCCACAGGATGTGCACGTAGTAGACCACCAGGTAGTAGCCG[G>A]CCGAGTTGAAGACCCACCAGAGGGACCACAGGCGCAGCTGCGGCCGCCGCAGGCTGTCCC-3'
Protein context (NP_919231.1, residues 269-289): LWSLWWVFNS[Ala279Val]GYYLVVYYVH